The following is an entry in ClinVar:

ClinVar aggregate classification (germline): Benign/Likely benign. Review status: criteria provided, multiple submitters, no conflicts (2 of 4 stars). 4 submissions from 4 submitters: Benign (1); Likely benign (3). Last evaluated 2025-01-30.

Conditions:
Hereditary nonpolyposis colorectal neoplasms. Identifiers: MedGen C0009405, MeSH D003123.
Hereditary cancer-predisposing syndrome. Also called: Hereditary Cancer Syndrome; Hereditary neoplastic syndrome; Neoplastic Syndromes, Hereditary; Tumor predisposition. Identifiers: Orphanet 140162, MedGen C0027672, MeSH D009386, MONDO:0015356.
Lynch syndrome 4 (LYNCH4). Also called: Colorectal cancer, hereditary nonpolyposis, type 4; Hereditary non-polyposis colorectal cancer, type 4. Identifiers: Orphanet 144, MedGen C1838333, MONDO:0013699, OMIM 614337. Disease mechanism: loss of function.

Submissions (4):

Myriad Genetics, Inc.
Classification: Benign for Lynch syndrome 4. Last evaluated: 2025-01-30. Review status: criteria provided, single submitter. Criteria: Myriad Autosomal Dominant, Autosomal Recessive and X-Linked Classification Criteria (2023). Collection method: clinical testing. Allele origin: unknown.
Comment: This variant is considered benign. This variant is a silent/synonymous amino acid change and it is not expected to impact splicing.

Labcorp Genetics (formerly Invitae), Labcorp
Classification: Likely benign for Hereditary nonpolyposis colorectal neoplasms. Last evaluated: 2024-06-04. Review status: criteria provided, single submitter. Criteria: Invitae Variant Classification Sherloc (09022015). Collection method: clinical testing. Allele origin: germline.

Color Diagnostics, LLC DBA Color Health
Classification: Likely benign for Hereditary cancer-predisposing syndrome. Last evaluated: 2017-11-22. Review status: criteria provided, single submitter. Criteria: ACMG Guidelines, 2015. Collection method: clinical testing. Allele origin: germline.

Ambry Genetics
Classification: Likely benign for Hereditary cancer-predisposing syndrome. Last evaluated: 2017-09-28. Review status: criteria provided, single submitter. Criteria: Ambry Variant Classification Scheme 2023. Collection method: clinical testing. Allele origin: germline.

NM_000535.7(PMS2):c.1260G>A (p.Leu420=)

Gene: PMS2 (PMS1 homolog 2, mismatch repair system component; minus strand). Cytogenetic location: 7p22.1.
Variant type: single nucleotide variant.
Coding change: c.1260G>A on transcript NM_000535.7 (MANE Select); coding-DNA position 1260, G replaced by A.
Protein change: p.Leu420=; no amino-acid change (leucine 420 retained).
Molecular consequence: synonymous variant. On other transcripts: non-coding transcript variant (1).
Genome position (GRCh38, 1-based): chr7:5,987,505, C>T on the plus strand (G>A on the coding strand, the complement: PMS2 is on the minus strand). VCF-style: chr7-5987505-C-T. GRCh37 (hg19) VCF-style: chr7-6027136-C-T.
Other names: c.855G>A, p.Leu285= (NM_001322003.2, NM_001322004.2, NM_001322005.2 and 1 more transcripts); c.1104G>A, p.Leu368= (NM_001322006.2); c.942G>A, p.Leu314= (NM_001322007.2, NM_001322008.2); c.699G>A, p.Leu233= (NM_001322010.2); c.327G>A, p.Leu109= (NM_001322011.2, NM_001322012.2); c.687G>A, p.Leu229= (NM_001322013.2); c.1260G>A, p.Leu420= (NM_001322014.2); c.951G>A, p.Leu317= (NM_001322015.2).
Identifiers: ClinVar variation 455647 (VCV000455647.17), dbSNP rs1554297974, ClinGen allele CA453748143.